The following is an entry in ClinVar:

NM_016356.5(DCDC2):c.1326+6T>G

Gene: DCDC2 (doublecortin domain containing 2; minus strand). Cytogenetic location: 6p22.3.
Variant type: single nucleotide variant.
Coding change: c.1326+6T>G on transcript NM_016356.5 (MANE Select); 6 bases into the intron after coding-DNA position 1326, T replaced by G.
Molecular consequence: intron variant.
Genome position (GRCh38, 1-based): chr6:24,178,324, A>C on the plus strand (T>G on the coding strand, the complement: DCDC2 is on the minus strand). VCF-style: chr6-24178324-A-C. GRCh37 (hg19) VCF-style: chr6-24178552-A-C.
Other names: c.1326+6T>G (NM_001195610.2).
Identifiers: ClinVar variation 3351787 (VCV003351787.1).
Genomic context (GRCh38, chr6:24,178,324, plus strand): 5'-AATGCACGCATGTACACACACACATATTCATGCATTCACATAAGCAAGCAAAAGCAATAG[A>C]AATACCTCATCTTGTCCACTGCCAGCTCCTTGAGACTTTCTTTCCTTGTCTAGGACCAGT-3'

ClinVar aggregate classification (germline): Likely benign (0 of 4 stars; one submission).

Conditions:
DCDC2-related disorder. Also called: DCDC2-related condition.

gnomAD v4.1: 1 of 1,611,320 alleles (0.000062%); highest among the groups gnomAD compares: Admixed American, 0.0017%; no homozygotes.

Submission:

PreventionGenetics, part of Exact Sciences
Classification: Likely benign for DCDC2-related condition. Last evaluated: 2024-03-27. Review status: no assertion criteria provided. Collection method: clinical testing. Allele origin: germline.
Comment: This variant is classified as likely benign based on ACMG/AMP sequence variant interpretation guidelines (Richards et al. 2015 PMID: 25741868, with internal and published modifications).